The following is an entry in ClinVar:

ClinVar aggregate classification (germline): Pathogenic/Likely pathogenic. Review status: criteria provided, multiple submitters, no conflicts (2 of 4 stars). 11 submissions from 10 submitters: Pathogenic (5); Likely pathogenic (5). 1 of the submissions does not count toward it. Last evaluated 2025-11-30.

Conditions:
CBL-related disorder. Also called: CBL MUTATION-ASSOCIATED SYNDROME; CBL SYNDROME; NOONAN SYNDROME-LIKE DISORDER WITHOUT JUVENILE MYELOMONOCYTIC LEUKEMIA. Identifiers: Orphanet 363972, MedGen C3150803, MONDO:0013308, OMIM 613563.
Malignant germ cell tumor of ovary. Also called: Ovarian germ cell cancer. Identifiers: Orphanet 35807, MedGen C0346180, MONDO:0018171, OMIM 603737.
Cardiovascular phenotype. Identifiers: MedGen CN230736.
Noonan syndrome (NS). Also called: Noonan's syndrome. Identifiers: Orphanet 648, MedGen C0028326, MeSH D009634, MONDO:0018997. Disease mechanism: gain of function.
RASopathy. Also called: rasopathies; Noonan spectrum disorder. Identifiers: Orphanet 536391, MedGen C5555857, MONDO:0021060.
Noonan syndrome-like disorder with juvenile myelomonocytic leukemia. Identifiers: MedGen C4016301.
Juvenile myelomonocytic leukemia (JMML). Also called: LEUKEMIA, JUVENILE MYELOMONOCYTIC, SOMATIC. Identifiers: Orphanet 86834, MedGen C0349639, MONDO:0011908, OMIM 607785, HP:0012209.

Submissions (11):

Labcorp Genetics (formerly Invitae), Labcorp
Classification: Pathogenic for RASopathy. Last evaluated: 2025-11-30. Review status: criteria provided, single submitter. Criteria: Invitae Variant Classification Sherloc (09022015). Collection method: clinical testing. Allele origin: germline.
Comment: This sequence change affects an acceptor splice site in intron 8 of the CBL gene. It is expected to disrupt RNA splicing. Variants that disrupt the donor or acceptor splice site typically lead to a loss of protein function (PMID: 16199547), however the current clinical and genetic evidence is not sufficient to establish whether loss-of-function variants in CBL cause disease. This variant is not present in population databases (gnomAD no frequency). Disruption of this splice site has been observed in individuals with clinical features of CBL-related conditions (internal data). It has also been observed to segregate with disease in related individuals. ClinVar contains an entry for this variant (Variation ID: 177959). Algorithms developed to predict the effect of sequence changes on RNA splicing suggest that this variant may disrupt the consensus splice site. For these reasons, this variant has been classified as Pathogenic.

Ambry Genetics
Classification: Likely pathogenic for Cardiovascular phenotype. Last evaluated: 2025-09-03. Review status: criteria provided, single submitter. Criteria: Ambry Variant Classification Scheme 2023. Collection method: clinical testing. Allele origin: germline.
Comment: The c.1228-2A>G intronic variant results from an A to G substitution two nucleotides before coding exon 9 of the CBL gene. Alterations that disrupt the canonical splice site are expected to result in aberrant splicing. A resulting transcript is predicted to be in-frame and is not expected to trigger nonsense-mediated mRNAdecay, although direct evidence is unavailable. This variant was not reported in population-based cohorts in the Genome Aggregation Database (gnomAD). This variant was reported in individuals with features consistent with CBL-related RASopathy; in at least one individual, it was determined to be de novo (Chida-Nagai, 2023; Sedlackova, 2024). This nucleotide position is highly conserved in available vertebrate species. In silico splice site analysis predicts that this alteration will weaken the native splice acceptor site and will result in the creation or strengthening of a novel splice acceptor site. Based on the available evidence, this alteration is classified as likely pathogenic.

Variantyx, Inc.
Classification: Pathogenic for CBL-related disorder. Last evaluated: 2025-04-29. Review status: criteria provided, single submitter. Criteria: Variantyx Assertion Criteria 2022. Collection method: clinical testing. Allele origin: de novo. Inheritance: Autosomal dominant inheritance. Affected: yes.
Comment: This is a canonical splicing variant in the CBL gene (OMIM: 165360). Pathogenic variants in this gene have been associated with autosomal dominant Noonan syndrome-like disorder with or without juvenile myelomonocytic leukemia. The alteration causes an in-frame deletion of entire exon 9 (PMID:¬†20694012) (PM4) an it has been reported in at least 3 unrelated affected individuals (PMID: 32637631, 20694012) (PS4_Moderate). This variant is absent from control populations (PM2). Based on the current evidence, this variant is classified as pathogenic for autosomal dominant Noonan syndrome-like disorder with or without juvenile myelomonocytic leukemia.

3billion
Classification: Pathogenic for CBL-related disorder. Last evaluated: 2025-02-13. Review status: criteria provided, single submitter. Criteria: ACMG Guidelines, 2015. Collection method: clinical testing. Allele origin: germline. Affected: yes.
Comment: The variant is not observed in the gnomAD v4.1.0 dataset. Predicted Consequence/Location: Canonical splice site: predicted to alter splicing and result in a loss or disruption of normal protein function. Multiple pathogenic loss-of-function variants are reported downstream of the variant. The variant has been reported at least twice as pathogenic with clinical assertions and evidence for the classification (ClinVar ID: VCV000177959 /PMID: 19571318 /3billion dataset). Therefore, this variant is classified as Pathogenic according to the recommendation of ACMG/AMP guideline.

Institute for Genomic Medicine (IGM) Clinical Laboratory, Nationwide Children's Hospital
Classification: Likely pathogenic for CBL-related disorder. Last evaluated: 2023-10-02. Review status: criteria provided, single submitter. Criteria: ACMG Guidelines, 2015. Collection method: clinical testing. Allele origin: germline.
Comment: This variant has been reported at an elevated frequency in affected individuals/in multiple affected individuals in the literature (ACMG/AMP: PS4; PMIDs:21901340, 20694012, 19571318, 20955399). This variant is absent from or present at an exceedingly low frequency in gnomAD, a large-scale control population database (ACMG/AMP: PM2). This variant is predicted to result in an in-frame insertion or deletion in a non-repetitive region (ACMG/AMP: PM4; PMID:20694012). This variant has been shown to segregate with disease in multiple affected family members (ACMG/AMP: PP1).

GeneDx
Classification: Pathogenic. Last evaluated: 2022-06-06. Review status: criteria provided, single submitter. Criteria: GeneDx Variant Classification Process June 2021. Collection method: clinical testing. Allele origin: germline. Affected: yes.
Comment: Identified as homozygous in peripheral blood of patients with juvenile myelomonocytic leukemia (JMML). In one patient with additional features of poor growth and developmental delay, variant was heterozygous in normal tissues and presumed to be germline (Loh et al., 2009; Niemayer et al., 2010).; Not observed at significant frequency in large population cohorts (gnomAD); Canonical splice site variant predicted to result in an in-frame deletion of a critical region (part of RING-Type zinc finger and linker region); This variant is associated with the following publications: (PMID: 32637631, 21901340, 20694012, 20955399, 23823657, 28343148, 34026204, 20619386, 22315494, 19571318)

Baylor Genetics
Classification: Likely pathogenic for Juvenile myelomonocytic leukemia. Last evaluated: 2020-10-23. Review status: criteria provided, single submitter. Criteria: ACMG Guidelines, 2015. Collection method: clinical testing. Allele origin: de novo. Affected: yes.
Comment: This variant was determined to be likely pathogenic according to ACMG Guidelines, 2015 [PMID:25741868].

St. Jude Molecular Pathology, St. Jude Children's Research Hospital
Classification: Likely pathogenic for Malignant germ cell tumor of ovary. Last evaluated: 2017-04-04. Review status: criteria provided, single submitter. Criteria: ACMG Guidelines, 2015. Collection method: clinical testing. Allele origin: germline. Affected: yes.
Comment: This is a splice site alteration in which an A is replaced by a G in intron 8, two nucleotides upstream from the beginning of exon 9. Classification criteria: PVS1, PM2.

Laboratory for Molecular Medicine, Mass General Brigham Personalized Medicine
Classification: Likely pathogenic for Noonan syndrome. Last evaluated: 2014-06-04. Review status: criteria provided, single submitter. Criteria: LMM Criteria. Collection method: clinical testing. Allele origin: germline. Inheritance: Autosomal dominant inheritance. Observed: 1 variant allele.
Comment: The 1228-2A>G variant in CBL has previously been identified in 5 individuals wit h juvenile myelomonocytic leukemia (JMML; Niemeyer 2010, Perez 2010, Park 2012, Loh 2009), in each of whom it was identified in the homozygous state in the leuk emia cells. At least one of these individuals also had clinical features of a No onan spectrum disorder, and this variant was not identified in either parent of this individual and likely occurred de novo (Niemeyer 2010). In addition, this v ariant was absent from large population studies. Studies have shown that the 122 8-2A>G variant is leads to deletion of exon 9 and is predicted to encode a prote in that lacks essential regions of the linker and RING finger domains (Niemeyer 2010). In summary, this variant is likely to be pathogenic, though additional st udies are required to fully establish its clinical significance.

Laboratory for Molecular Medicine, Mass General Brigham Personalized Medicine
Classification: Pathogenic for Juvenile myelomonocytic leukemia. Last evaluated: 2014-06-04. Review status: criteria provided, single submitter. Criteria: LMM Criteria. Collection method: clinical testing. Allele origin: somatic. Inheritance: Somatic mutation. Observed: 1 variant allele.
Comment: The 1228-2A>G variant in CBL has previously been identified in 5 individuals wit h juvenile myelomonocytic leukemia (JMML; Niemeyer 2010, Perez 2010, Park 2012, Loh 2009), in each of whom it was identified in the homozygous state in the leuk emia cells. At least one of these individuals also had clinical features of a No onan spectrum disorder, and this variant was not identified in either parent of this individual and likely occurred de novo (Niemeyer 2010). In addition, this v ariant was absent from large population studies. Studies have shown that the 122 8-2A>G variant is leads to deletion of exon 9 and is predicted to encode a prote in that lacks essential regions of the linker and RING finger domains (Niemeyer 2010). In summary, this variant meets our criteria to be classified as pathogeni c for JMML, based on presence in the homozygous state in the leukemia cells mult iple individuals with JMML and predicted impact to the protein.

OMIM
Classification: Pathogenic for NOONAN SYNDROME-LIKE DISORDER WITH JUVENILE MYELOMONOCYTIC LEUKEMIA. Last evaluated: 2010-09-01. Review status: no assertion criteria provided. Collection method: literature only. Allele origin: germline. Not counted in ClinVar's aggregate classification.

Literature cited by the submitters: PubMed 16199547 (cited by Labcorp Genetics (formerly Invitae), Labcorp); PubMed 37554039 (cited by Ambry Genetics and Variantyx, Inc.); PubMed 38008000 (cited by Ambry Genetics and Variantyx, Inc.); PubMed 35982159 (cited by Variantyx, Inc.); PubMed 34301788 (cited by Variantyx, Inc.); PubMed 34026204 (cited by Variantyx, Inc.); PubMed 33057194 (cited by Variantyx, Inc.); PubMed 32637631 (cited by Variantyx, Inc.); PubMed 20694012 (cited by 4 submitters); PubMed 19571318 (cited by 3 submitters); PubMed 21901340 (cited by Institute for Genomic Medicine (IGM) Clinical Laboratory, Nationwide Children's Hospital and Laboratory for Molecular Medicine, Mass General Brigham Personalized Medicine); PubMed 20955399 (cited by Institute for Genomic Medicine (IGM) Clinical Laboratory, Nationwide Children's Hospital and Laboratory for Molecular Medicine, Mass General Brigham Personalized Medicine).

NM_005188.4(CBL):c.1228-2A>G

Gene: CBL (Cbl proto-oncogene; plus strand). Cytogenetic location: 11q23.3.
Variant type: single nucleotide variant.
Coding change: c.1228-2A>G on transcript NM_005188.4 (MANE Select); the canonical splice acceptor site of the intron before coding-DNA position 1228, A replaced by G.
Molecular consequence: splice acceptor variant.
Genome position (GRCh38, 1-based): chr11:119,278,508, A>G. VCF-style: chr11-119278508-A-G. GRCh37 (hg19) VCF-style: chr11-119149218-A-G.
Other names: IVS8AS, A-G, -2.
Identifiers: ClinVar variation 177959 (VCV000177959.29), dbSNP rs727504426, ClinGen allele CA181066.